The following is an entry in ClinVar:

NM_001282933.2(ZNF341):c.1647C>G (p.Tyr549Ter)

Gene: ZNF341 (zinc finger protein 341; plus strand). Cytogenetic location: 20q11.22.
Variant type: single nucleotide variant.
Coding change: c.1647C>G on transcript NM_001282933.2 (MANE Select); coding-DNA position 1647, C replaced by G.
Protein change: p.Tyr549Ter; replaces tyrosine 549 with a stop codon.
Molecular consequence: nonsense.
Genome position (GRCh38, 1-based): chr20:33,781,315, C>G. VCF-style: chr20-33781315-C-G. GRCh37 (hg19) VCF-style: chr20-32369121-C-G.
Other names: c.1377C>G, p.Tyr459Ter (NM_001282935.2); c.1626C>G, p.Tyr542Ter (NM_032819.5); short protein forms Y542*, Y549*, Y459*.
Identifiers: ClinVar variation 599413 (VCV000599413.3), dbSNP rs376598954, ClinGen allele CA408639206.

ClinVar aggregate classification (germline): Pathogenic. Review status: criteria provided, single submitter (1 of 4 stars). 2 submissions from 2 submitters: Pathogenic (1). 1 of the submissions does not count toward it. Last evaluated 2019-05-29.

Conditions:
Hyper-IgE recurrent infection syndrome 3, autosomal recessive. Also called: HYPER-IgE SYNDROME 3, AUTOSOMAL RECESSIVE, WITH RECURRENT INFECTIONS; Autosomal recessive hyper-IgE syndrome due to ZNF341 deficiency. Identifiers: Orphanet 641368, MedGen C4748969, MONDO:0032654, OMIM 618282.

Submissions (2):

SIB Swiss Institute of Bioinformatics
Classification: Pathogenic for Hyper-IgE recurrent infection syndrome 3, autosomal recessive. Last evaluated: 2019-05-29. Review status: criteria provided, single submitter. Criteria: ACMG Guidelines, 2015. Collection method: curation. Allele origin: unknown.
Comment: This variant is interpreted as a Pathogenic for Hyper-IgE recurrent infection syndrome 3, autosomal recessive. The following ACMG Tag(s) were applied: PM2; PS3; PVS1.

OMIM
Classification: Pathogenic for HYPER-IgE SYNDROME 3, AUTOSOMAL RECESSIVE, WITH RECURRENT INFECTIONS. Last evaluated: 2023-10-05. Review status: no assertion criteria provided. Collection method: literature only. Allele origin: germline. Not counted in ClinVar's aggregate classification.

Literature cited by the submitters: PubMed 29907691 (cited by SIB Swiss Institute of Bioinformatics and OMIM).